The following is an entry in ClinVar:

NM_000553.6(WRN):c.918G>C (p.Glu306Asp)

Gene: WRN (WRN RecQ like helicase; plus strand). Cytogenetic location: 8p12.
Variant type: single nucleotide variant.
Coding change: c.918G>C on transcript NM_000553.6 (MANE Select); coding-DNA position 918, G replaced by C.
Protein change: p.Glu306Asp; replaces glutamic acid 306 with aspartic acid.
Molecular consequence: missense variant.
Genome position (GRCh38, 1-based): chr8:31,080,945, G>C. VCF-style: chr8-31080945-G-C. GRCh37 (hg19) VCF-style: chr8-30938461-G-C.
Other names: short protein forms E306D.
Identifiers: ClinVar variation 2848015 (VCV002848015.3), dbSNP rs2535909845, ClinGen allele CA370919882.

ClinVar aggregate classification (germline): Uncertain significance (1 of 4 stars; one submission).

Conditions:
Werner syndrome (WRN). Identifiers: Orphanet 902, MedGen C0043119, MONDO:0010196, OMIM 277700.

Submission:

Labcorp Genetics (formerly Invitae), Labcorp
Classification: Uncertain significance for Werner syndrome. Last evaluated: 2023-03-21. Review status: criteria provided, single submitter. Criteria: Invitae Variant Classification Sherloc (09022015). Collection method: clinical testing. Allele origin: germline.
Comment: An algorithm developed to predict the effect of missense changes on protein structure and function (PolyPhen-2) suggests that this variant is likely to be tolerated. In summary, the available evidence is currently insufficient to determine the role of this variant in disease. Therefore, it has been classified as a Variant of Uncertain Significance. This variant has not been reported in the literature in individuals affected with WRN-related conditions. This variant is not present in population databases (gnomAD no frequency). This sequence change replaces glutamic acid, which is acidic and polar, with aspartic acid, which is acidic and polar, at codon 306 of the WRN protein (p.Glu306Asp).